The following is an entry in ClinVar:

ClinVar aggregate classification (germline): Likely benign (1 of 4 stars; one submission).

Submission:

Molecular Diagnostic Laboratory for Inherited Cardiovascular Disease, Montreal Heart Institute
Classification: Likely benign. Last evaluated: 2025-04-09. Review status: criteria provided, single submitter. Criteria: ACMG Guidelines, 2015. Collection method: clinical testing. Allele origin: germline. Affected: no.
Comment: BP1

NM_001267550.2(TTN):c.33483T>G (p.His11161Gln)

Gene: TTN (titin; minus strand). Cytogenetic location: 2q31.2.
Variant type: single nucleotide variant.
Coding change: c.33483T>G on transcript NM_001267550.2 (MANE Select); coding-DNA position 33483, T replaced by G.
Protein change: p.His11161Gln; replaces histidine 11161 with glutamine.
Molecular consequence: missense variant. On other transcripts: intron variant (3).
Genome position (GRCh38, 1-based): chr2:178,679,991, A>C on the plus strand (T>G on the coding strand, the complement: TTN is on the minus strand). VCF-style: chr2-178679991-A-C. GRCh37 (hg19) VCF-style: chr2-179544718-A-C.
Other names: c.32532T>G, p.His10844Gln (NM_001256850.1); c.29751T>G, p.His9917Gln (NM_133378.4); c.13283-37674T>G (NM_003319.4); c.13859-37674T>G (NM_133437.4); c.13658-37674T>G (NM_133432.3); short protein forms H10844Q, H11161Q, H9917Q.
Identifiers: ClinVar variation 3894794 (VCV003894794.1).